The following is an entry in ClinVar:

ClinVar aggregate classification (germline): Uncertain significance (0 of 4 stars; one submission).

Conditions:
ZC3H4-related disorder. Also called: ZC3H4-related condition.

Submission:

PreventionGenetics, part of Exact Sciences
Classification: Uncertain significance for ZC3H4-related condition. Last evaluated: 2024-07-15. Review status: no assertion criteria provided. Collection method: clinical testing. Allele origin: germline.
Comment: The ZC3H4 c.2252G>C variant is predicted to result in the amino acid substitution p.Arg751Pro. To our knowledge, this variant has not been reported in the literature or in a large population database, indicating this variant is rare. At this time, the clinical significance of this variant is uncertain due to the absence of conclusive functional and genetic evidence.

NM_015168.2(ZC3H4):c.2252G>C (p.Arg751Pro)

Gene: ZC3H4 (zinc finger CCCH-type containing 4; minus strand). Cytogenetic location: 19q13.32.
Variant type: single nucleotide variant.
Coding change: c.2252G>C on transcript NM_015168.2 (MANE Select); coding-DNA position 2252, G replaced by C.
Protein change: p.Arg751Pro; replaces arginine 751 with proline.
Molecular consequence: missense variant.
Genome position (GRCh38, 1-based): chr19:47,069,238, C>G on the plus strand (G>C on the coding strand, the complement: ZC3H4 is on the minus strand). VCF-style: chr19-47069238-C-G. GRCh37 (hg19) VCF-style: chr19-47572495-C-G.
Other names: short protein forms R751P.
Identifiers: ClinVar variation 3344081 (VCV003344081.1).